The following is an entry in ClinVar:

ClinVar aggregate classification (germline): Pathogenic (1 of 4 stars; one submission).

Conditions:
Ullrich congenital muscular dystrophy 2 (UCMD2). Identifiers: Orphanet 75840, MedGen C4225314, MONDO:0014654, OMIM 616470.
Bethlem myopathy 2 (BTHLM2). Identifiers: Orphanet 536516, Orphanet 610, MedGen C4225313, MONDO:0034022, OMIM 616471.

Submission:

Labcorp Genetics (formerly Invitae), Labcorp
Classification: Pathogenic for Bethlem myopathy 2; Ullrich congenital muscular dystrophy 2. Last evaluated: 2019-10-22. Review status: criteria provided, single submitter. Criteria: Invitae Variant Classification Sherloc (09022015). Collection method: clinical testing. Allele origin: germline.
Comment: For these reasons, this variant has been classified as Pathogenic. Loss-of-function variants in COL12A1 are known to be pathogenic (PMID: 24334604, 28973083). This variant has not been reported in the literature in individuals with COL12A1-related conditions. This variant is not present in population databases (ExAC no frequency). This sequence change creates a premature translational stop signal (p.Thr1472Asnfs*13) in the COL12A1 gene. It is expected to result in an absent or disrupted protein product.

Literature cited by the submitters: PubMed 24334604; PubMed 28973083.

NM_004370.6(COL12A1):c.4414dup (p.Thr1472fs)

Genes: COL12A1 (collagen type XII alpha 1 chain; minus strand), LOC129996730 (ATAC-STARR-seq lymphoblastoid active region 24756; plus strand). Cytogenetic location: 6q13.
Variant type: Duplication.
Coding change: c.4414dup on transcript NM_004370.6 (MANE Select); coding-DNA position 4414, one base duplicated (A; older notation c.4414dupA).
Protein change: p.Thr1472fs; shifts the reading frame from threonine 1472.
Molecular consequence: frameshift variant.
Genome position (GRCh38, 1-based): chr6:75,147,678, T duplicated on the plus strand (A on the coding strand, the reverse complement: COL12A1 is on the minus strand); the first of 6 consecutive T bases (chr6:75,147,678-75,147,683); duplicating any one gives the same sequence. VCF-style (leftmost placement, unchanged base first): chr6-75147677-G-GT. GRCh37 (hg19) VCF-style: chr6-75857393-G-GT.
Other names: c.922dup, p.Thr308fs (NM_080645.3); short protein forms T1472fs, T308fs.
Identifiers: ClinVar variation 961675 (VCV000961675.10), dbSNP rs1767268002, ClinGen allele CA1139659703.